The following is an entry in ClinVar:

NM_001278116.2(L1CAM):c.3258C>T (p.Tyr1086=)

Gene: L1CAM (L1 cell adhesion molecule; minus strand). Cytogenetic location: Xq28.
Variant type: single nucleotide variant.
Coding change: c.3258C>T on transcript NM_001278116.2 (MANE Select); coding-DNA position 3258, C replaced by T.
Protein change: p.Tyr1086=; no amino-acid change (tyrosine 1086 retained).
Molecular consequence: synonymous variant.
Genome position (GRCh38, 1-based): chrX:153,864,386, G>A on the plus strand (C>T on the coding strand, the complement: L1CAM is on the minus strand). VCF-style: chrX-153864386-G-A. GRCh37 (hg19) VCF-style: chrX-153129841-G-A.
Other names: c.3258C>T, p.Tyr1086= (NM_000425.5, NM_024003.3); c.3243C>T, p.Tyr1081= (NM_001143963.2).
Identifiers: ClinVar variation 2731211 (VCV002731211.7), dbSNP rs367839516, ClinGen allele CA10554004.

ClinVar aggregate classification (germline): Benign/Likely benign. Review status: criteria provided, multiple submitters, no conflicts (2 of 4 stars). 2 submissions from 2 submitters: Benign (1); Likely benign (1). Last evaluated 2026-03-01.

Conditions:
Spastic paraplegia. Identifiers: MedGen C0037772, HP:0001258.

Allele frequency attached by ClinVar (database versions not stated): ExAC 0.00001; TOPMed 0.00003; gnomAD 0.00004; gnomAD exomes 0.00004; ESP Exome Variant Server 0.00009.
gnomAD v4.1: 49 of 1,209,672 alleles (0.0041%); highest among the groups gnomAD compares: African/African-American, 0.007%; no homozygotes.

Submissions (2):

CeGaT Center for Human Genetics Tuebingen
Classification: Likely benign. Last evaluated: 2026-03-01. Review status: criteria provided, single submitter. Criteria: CeGaT Center For Human Genetics Tuebingen Variant Classification Criteria Version 2. Collection method: clinical testing. Allele origin: germline. Affected: yes. Observed: 1 variant allele.
Comment: L1CAM: BP4, BP7, BS2

Labcorp Genetics (formerly Invitae), Labcorp
Classification: Benign for Spastic paraplegia. Last evaluated: 2026-01-18. Review status: criteria provided, single submitter. Criteria: Invitae Variant Classification Sherloc (09022015). Collection method: clinical testing. Allele origin: germline.